The following is an entry in ClinVar:

ClinVar aggregate classification (germline): Likely pathogenic. Review status: criteria provided, multiple submitters, no conflicts (2 of 4 stars). 2 submissions from 2 submitters: Likely pathogenic (2). Last evaluated 2025-10-02.

Conditions:
Arthrogryposis multiplex congenita 6. Identifiers: MedGen C5543431, MONDO:0030281, OMIM 619334.
Nemaline myopathy 2 (NEM2). Also called: Nemaline myopathy 2, autosomal recessive. Identifiers: MedGen C1850569, MONDO:0009725, OMIM 256030.

Submissions (2):

Dasa
Classification: Likely pathogenic for Nemaline myopathy 2. Last evaluated: 2025-10-02. Review status: criteria provided, single submitter. Criteria: DASA Assertion Criteria. Collection method: clinical testing. Allele origin: germline.
Comment: NM_001164508.2(NEB):c.8728del (p.Trp2910Glyfs*19) is a frameshift variant in NEB predicted to alter the reading frame and introduce a premature termination codon and is predicted to result in an absent or altered protein product. Loss of function is an established disease mechanism for NEB-associated disorders. Also, this variant is absent from population databases. Based on the currently available evidence, this variant is classified as likely pathogenic.

Baylor Genetics
Classification: Likely pathogenic for Arthrogryposis multiplex congenita 6. Last evaluated: 2023-04-03. Review status: criteria provided, single submitter. Criteria: ACMG Guidelines, 2015. Collection method: clinical testing. Allele origin: unknown.

NM_001164508.2(NEB):c.8728del (p.Trp2910fs)

Gene: NEB (nebulin; minus strand). Cytogenetic location: 2q23.3.
Variant type: Deletion.
Coding change: c.8728del on transcript NM_001164508.2 (MANE Select); coding-DNA position 8728, one base deleted (T; older notation c.8728delT).
Protein change: p.Trp2910fs; shifts the reading frame from tryptophan 2910.
Molecular consequence: frameshift variant.
Genome position (GRCh38, 1-based): chr2:151,640,018, A deleted on the plus strand (T on the coding strand, the reverse complement: NEB is on the minus strand). VCF-style (leftmost placement, unchanged base first): chr2-151640017-CA-C. GRCh37 (hg19) VCF-style: chr2-152496531-CA-C.
Other names: c.8728del (NM_001271208.1); c.8728del, p.Trp2910fs (NM_001164507.2, NM_001271208.2, NM_004543.5); c.8728delT, p.Trp2910Glyfs (NM_001271208.1); short protein forms W2910fs.
Identifiers: ClinVar variation 2677114 (VCV002677114.3), dbSNP rs2552243502, ClinGen allele CA2695197047.
Genomic context (GRCh38, chr2:151,640,017, plus strand): 5'-TCACTCAAAATTTCAGTTGCCCTTTTGCATTTTTCCACATCCAAAGAGCCAATGGACACC[CA>C]GCCAATGCCTCTCATCCACTGGAGATCAGACTTGTACATATTCTGTTGACACAAATAGCC-3'